The following is an entry in ClinVar:

ClinVar aggregate classification (germline): Conflicting classifications of pathogenicity. Review status: criteria provided, conflicting classifications (1 of 4 stars). 4 submissions from 4 submitters: Uncertain significance (1); Benign (1); Likely benign (2). Last evaluated 2025-06-25.

Conditions:
KMT2D-related disorder. Also called: KMT2D-Related Disorders.
Kabuki syndrome. Also called: Kabuki make-up syndrome; NIIKAWA-KUROKI SYNDROME. Identifiers: Orphanet 2322, MedGen C0796004, MONDO:0016512.
Familial thoracic aortic aneurysm and aortic dissection (TAAD). Also called: Thoracic aortic aneurysms and dissections. Identifiers: Orphanet 91387, MedGen C4707243, MONDO:0019625.

Allele frequency attached by ClinVar (database versions not stated): ExAC 0.00002.
gnomAD v4.1: 29 of 1,519,988 alleles (0.0019%); highest among the groups gnomAD compares: Admixed American, 0.0067%; no homozygotes.

Submissions (4):

PreventionGenetics, part of Exact Sciences
Classification: Uncertain significance for KMT2D-related condition. Last evaluated: 2025-06-25. Review status: criteria provided, single submitter. Criteria: ACMG Guidelines, 2015. Collection method: clinical testing. Allele origin: germline.
Comment: The KMT2D c.2588G>A variant is predicted to result in the amino acid substitution p.Arg863Gln. To our knowledge, this variant has not been reported in the literature. This variant is reported in 0.0094% of alleles in individuals of Latino descent in gnomAD. At this time, the clinical significance of this variant is uncertain due to the absence of conclusive functional and genetic evidence.

Labcorp Genetics (formerly Invitae), Labcorp
Classification: Benign for Kabuki syndrome. Last evaluated: 2025-05-27. Review status: criteria provided, single submitter. Criteria: Invitae Variant Classification Sherloc (09022015). Collection method: clinical testing. Allele origin: germline.

GeneDx
Classification: Likely benign. Last evaluated: 2020-05-18. Review status: criteria provided, single submitter. Criteria: GeneDx Variant Classification Process June 2021. Collection method: clinical testing. Allele origin: germline. Affected: yes.
Comment: In silico analysis, which includes protein predictors and evolutionary conservation, supports that this variant does not alter protein structure/function; However, in silico analysis, which includes splice predictors and evolutionary conservation, suggests this variant may impact gene splicing. In the absence of RNA/functional studies, the actual effect of this sequence change is unknown.; Has not been previously published as pathogenic or benign to our knowledge

Cambridge Genomics Laboratory, East Genomic Laboratory Hub, NHS Genomic Medicine Service
Classification: Likely benign for Familial thoracic aortic aneurysm and aortic dissection. Last evaluated: 2020-01-13. Review status: criteria provided, single submitter. Criteria: ACGS Best Practice Guidelines for Variant Classification in Rare Disease 2020. Collection method: clinical testing. Allele origin: germline. Affected: yes. Observed: 1 variant allele.

NM_003482.4(KMT2D):c.2588G>A (p.Arg863Gln)

Gene: KMT2D (lysine methyltransferase 2D; minus strand). Cytogenetic location: 12q13.12.
Variant type: single nucleotide variant.
Coding change: c.2588G>A on transcript NM_003482.4 (MANE Select); coding-DNA position 2588, G replaced by A.
Protein change: p.Arg863Gln; replaces arginine 863 with glutamine.
Molecular consequence: missense variant.
Genome position (GRCh38, 1-based): chr12:49,051,095, C>T on the plus strand (G>A on the coding strand, the complement: KMT2D is on the minus strand). VCF-style: chr12-49051095-C-T. GRCh37 (hg19) VCF-style: chr12-49444878-C-T.
Other names: short protein forms R863Q.
Identifiers: ClinVar variation 1223199 (VCV001223199.8), dbSNP rs747921601, ClinGen allele CA6548226.